The following is an entry in ClinVar:

ClinVar aggregate classification (germline): Uncertain significance (1 of 4 stars; one submission).

gnomAD v4.1: 4 of 1,614,110 alleles (0.00025%); highest among the groups gnomAD compares: South Asian, 0.0044%; no homozygotes.

Submission:

Ambry Genetics
Classification: Uncertain significance. Last evaluated: 2025-05-17. Review status: criteria provided, single submitter. Criteria: Ambry Variant Classification Scheme 2023. Collection method: clinical testing. Allele origin: germline.
Comment: The p.Y132C variant (also known as c.395A>G), located in coding exon 4 of the SRP72 gene, results from an A to G substitution at nucleotide position 395. The tyrosine at codon 132 is replaced by cysteine, an amino acid with highly dissimilar properties. This amino acid position is conserved. In addition, this alteration is predicted to be deleterious by in silico analysis. Based on the available evidence, the clinical significance of this variant remains unclear.

NM_006947.4(SRP72):c.395A>G (p.Tyr132Cys)

Gene: SRP72 (signal recognition particle 72; plus strand). Cytogenetic location: 4q12.
Variant type: single nucleotide variant.
Coding change: c.395A>G on transcript NM_006947.4 (MANE Select); coding-DNA position 395, A replaced by G.
Protein change: p.Tyr132Cys; replaces tyrosine 132 with cysteine.
Molecular consequence: missense variant. On other transcripts: non-coding transcript variant (1).
Genome position (GRCh38, 1-based): chr4:56,474,094, A>G. VCF-style: chr4-56474094-A-G. GRCh37 (hg19) VCF-style: chr4-57340260-A-G.
Other names: c.395A>G, p.Tyr132Cys (NM_001267722.2); short protein forms Y132C.
Identifiers: ClinVar variation 3962105 (VCV003962105.1).
Genomic context (GRCh38, chr4:56,474,094, plus strand): 5'-ACTTGCTATTTATTATTCAGTTATACCGTTTGGAACGCTATGATGAATGCTTAGCAGTGT[A>G]TAGAGATCTCGTCCGAAACTCCCAAGATGATTATGATGAGGAGAGGAAAACAAACCTTTC-3'
Protein context (NP_008878.3, residues 122-142): LERYDECLAV[Tyr132Cys]RDLVRNSQDD